The following is an entry in ClinVar:

NM_000132.4(F8):c.1718G>T (p.Cys573Phe)

Gene: F8 (coagulation factor VIII; minus strand). Cytogenetic location: Xq28.
Variant type: single nucleotide variant.
Coding change: c.1718G>T on transcript NM_000132.4 (MANE Select); coding-DNA position 1718, G replaced by T.
Protein change: p.Cys573Phe; replaces cysteine 573 with phenylalanine.
Molecular consequence: missense variant.
Genome position (GRCh38, 1-based): chrX:154,956,991, C>A on the plus strand (G>T on the coding strand, the complement: F8 is on the minus strand). VCF-style: chrX-154956991-C-A. GRCh37 (hg19) VCF-style: chrX-154185266-C-A.
Other names: short protein forms C573F.
Identifiers: ClinVar variation 3602917 (VCV003602917.1).

ClinVar aggregate classification (germline): Likely pathogenic (1 of 4 stars; one submission).

Submission:

GeneDx
Classification: Likely pathogenic. Last evaluated: 2024-08-09. Review status: criteria provided, single submitter. Criteria: GeneDx Variant Classification Process June 2021. Collection method: clinical testing. Allele origin: germline. Affected: yes.
Comment: Not observed at significant frequency in large population cohorts (gnomAD); Published functional studies suggest a damaging effect as the FVIII:C activity of the p.C573F variant was 42% of the wild type level (PMID: 26915717); In silico analysis supports that this missense variant has a deleterious effect on protein structure/function; Reported in families with hemophilia A; however, additional familial segregation information and clinical information were not provided (PMID: 33706050); This variant is associated with the following publications: (PMID: 26915717, 35770352, 29296726, 33706050)